The following is an entry in ClinVar:

NM_000245.4(MET):c.1530C>T (p.Ile510=)

Gene: MET (MET proto-oncogene, receptor tyrosine kinase; plus strand). Cytogenetic location: 7q31.2.
Variant type: single nucleotide variant.
Coding change: c.1530C>T on transcript NM_000245.4 (MANE Select); coding-DNA position 1530, C replaced by T.
Protein change: p.Ile510=; no amino-acid change (isoleucine 510 retained).
Molecular consequence: synonymous variant.
Genome position (GRCh38, 1-based): chr7:116,740,854, C>T. VCF-style: chr7-116740854-C-T. GRCh37 (hg19) VCF-style: chr7-116380908-C-T.
Other names: c.1530C>T, p.Ile510= (NM_001127500.3, NM_001324401.3); c.240C>T, p.Ile80= (NM_001324402.2).
Identifiers: ClinVar variation 1774620 (VCV001774620.5), dbSNP rs2116833737, ClinGen allele CA457215548.

ClinVar aggregate classification (germline): Benign/Likely benign. Review status: criteria provided, multiple submitters, no conflicts (2 of 4 stars). 3 submissions from 3 submitters: Benign (1); Likely benign (2). Last evaluated 2024-11-18.

Conditions:
Renal cell carcinoma. Identifiers: Orphanet 217071, MedGen C0007134, MeSH D002292, MONDO:0005086, HP:0005584.
Hereditary cancer-predisposing syndrome. Also called: Hereditary Cancer Syndrome; Hereditary neoplastic syndrome; Neoplastic Syndromes, Hereditary; Tumor predisposition. Identifiers: Orphanet 140162, MedGen C0027672, MeSH D009386, MONDO:0015356.
Papillary renal cell carcinoma type 1 (RCCP1). Also called: Renal adenocarcinoma; Renal cell carcinoma 1; Renal cell carcinoma, somatic; RENAL CELL CARCINOMA, PAPILLARY, 1, SOMATIC. Identifiers: Orphanet 47044, MedGen C1336839, OMIM 605074, HP:0011797.

Allele frequency attached by ClinVar (database versions not stated): gnomAD exomes below 0.00001.
gnomAD v4.1: 1 of 1,614,022 alleles (0.000062%); highest among the groups gnomAD compares: Non-Finnish European, 0.000085%; no homozygotes.

Submissions (3):

Labcorp Genetics (formerly Invitae), Labcorp
Classification: Likely benign for Renal cell carcinoma. Last evaluated: 2024-11-18. Review status: criteria provided, single submitter. Criteria: Invitae Variant Classification Sherloc (09022015). Collection method: clinical testing. Allele origin: germline.

Myriad Genetics, Inc.
Classification: Benign for Papillary renal cell carcinoma type 1. Last evaluated: 2024-11-07. Review status: criteria provided, single submitter. Criteria: Myriad Autosomal Dominant, Autosomal Recessive and X-Linked Classification Criteria (2023). Collection method: clinical testing. Allele origin: unknown.
Comment: This variant is considered benign. This variant is a silent/synonymous amino acid change and it is not expected to impact splicing.

Ambry Genetics
Classification: Likely benign for Hereditary cancer-predisposing syndrome. Last evaluated: 2022-03-08. Review status: criteria provided, single submitter. Criteria: Ambry Variant Classification Scheme 2023. Collection method: clinical testing. Allele origin: germline.